The following is an entry in ClinVar:

NM_000085.5(CLCNKB):c.1033G>A (p.Gly345Ser)

Genes: CLCNKB (chloride voltage-gated channel Kb; plus strand), LOC106501713 (CLCNKB recombination region; plus strand). Cytogenetic location: 1p36.13.
Variant type: single nucleotide variant.
Coding change: c.1033G>A on transcript NM_000085.5 (MANE Select); coding-DNA position 1033, G replaced by A.
Protein change: p.Gly345Ser; replaces glycine 345 with serine.
Molecular consequence: missense variant.
Genome position (GRCh38, 1-based): chr1:16,050,580, G>A. VCF-style: chr1-16050580-G-A. GRCh37 (hg19) VCF-style: chr1-16377075-G-A.
Other names: c.526G>A, p.Gly176Ser (NM_001165945.2); short protein forms G176S, G345S.
Identifiers: ClinVar variation 3599393 (VCV003599393.2).

ClinVar aggregate classification (germline): Uncertain significance. Review status: criteria provided, multiple submitters, no conflicts (2 of 4 stars). 2 submissions from 2 submitters: Uncertain significance (2). Last evaluated 2026-01-22.

Conditions:
Bartter disease type 3. Also called: Bartter syndrome type 3. Identifiers: Orphanet 112, Orphanet 93605, MedGen C1846343, MONDO:0011822, OMIM 607364.
Bartter disease type 4B. Also called: Bartter syndrome, type 4b, digenic; BARTTER SYNDROME, TYPE 4B; BARTTER SYNDROME, TYPE 4B, NEONATAL, WITH SENSORINEURAL DEAFNESS. Identifiers: Orphanet 112, MedGen C4310805, MONDO:0000909, OMIM 613090.

Submissions (2):

Labcorp Genetics (formerly Invitae), Labcorp
Classification: Uncertain significance. Last evaluated: 2026-01-22. Review status: criteria provided, single submitter. Criteria: Invitae Variant Classification Sherloc (09022015). Collection method: clinical testing. Allele origin: germline.
Comment: This sequence change replaces glycine, which is neutral and non-polar, with serine, which is neutral and polar, at codon 345 of the CLCNKB protein (p.Gly345Ser). This variant is present in population databases (rs777826819, gnomAD 0.004%). This missense change has been observed in individuals with Bartter syndrome (PMID: 28381550; internal data). ClinVar contains an entry for this variant (Variation ID: 3599393). Invitae Evidence Modeling of protein sequence and biophysical properties (such as structural, functional, and spatial information, amino acid conservation, physicochemical variation, residue mobility, and thermodynamic stability) indicates that this missense variant is expected to disrupt CLCNKB protein function with a positive predictive value of 80%. In summary, the available evidence is currently insufficient to determine the role of this variant in disease. Therefore, it has been classified as a Variant of Uncertain Significance.

Fulgent Genetics
Classification: Uncertain significance for Bartter disease type 3; Bartter disease type 4B. Last evaluated: 2024-06-10. Review status: criteria provided, single submitter. Criteria: ACMG Guidelines, 2015. Collection method: clinical testing. Allele origin: germline.

Literature cited by the submitters: PubMed 28381550 (cited by Labcorp Genetics (formerly Invitae), Labcorp).